The following is an entry in ClinVar:

ClinVar aggregate classification (germline): Uncertain significance (1 of 4 stars; one submission).

gnomAD v4.1: 1 of 1,613,998 alleles (0.000062%); highest among the groups gnomAD compares: Non-Finnish European, 0.000085%; no homozygotes.

Submission:

Ambry Genetics
Classification: Uncertain significance. Last evaluated: 2026-05-14. Review status: criteria provided, single submitter. Criteria: Ambry Variant Classification Scheme 2023. Collection method: clinical testing. Allele origin: germline.
Comment: The p.M45L variant (also known as c.133A>T), located in coding exon 1 of the GEN1 gene, results from an A to T substitution at nucleotide position 133. The methionine at codon 45 is replaced by leucine, an amino acid with highly similar properties. This amino acid position is conserved. In addition, this alteration is predicted to be tolerated by in silico analysis. Based on the available evidence, the clinical significance of this variant remains unclear.

NM_001130009.3(GEN1):c.133A>T (p.Met45Leu)

Gene: GEN1 (GEN1 structure-specific endonuclease; plus strand). Cytogenetic location: 2p24.2.
Variant type: single nucleotide variant.
Coding change: c.133A>T on transcript NM_001130009.3 (MANE Select); coding-DNA position 133, A replaced by T.
Protein change: p.Met45Leu; replaces methionine 45 with leucine.
Molecular consequence: missense variant.
Genome position (GRCh38, 1-based): chr2:17,760,076, A>T. VCF-style: chr2-17760076-A-T. GRCh37 (hg19) VCF-style: chr2-17941343-A-T.
Other names: c.133A>T, p.Met45Leu (NM_182625.5); short protein forms M45L.
Identifiers: ClinVar variation 4857971 (VCV004857971.1).